The following is an entry in ClinVar:

NM_005228.5(EGFR):c.1902A>G (p.Glu634=)

Gene: EGFR (epidermal growth factor receptor; plus strand). Cytogenetic location: 7p11.2.
Variant type: single nucleotide variant.
Coding change: c.1902A>G on transcript NM_005228.5 (MANE Select); coding-DNA position 1902, A replaced by G.
Protein change: p.Glu634=; no amino-acid change (glutamic acid 634 retained).
Molecular consequence: synonymous variant.
Genome position (GRCh38, 1-based): chr7:55,171,196, A>G. VCF-style: chr7-55171196-A-G. GRCh37 (hg19) VCF-style: chr7-55238889-A-G.
Other names: c.1767A>G, p.Glu589= (NM_001346897.2, NM_001346899.2); c.1902A>G, p.Glu634= (NM_001346898.2); c.1743A>G, p.Glu581= (NM_001346900.2); c.1101A>G, p.Glu367= (NM_001346941.2).
Identifiers: ClinVar variation 4870209 (VCV004870209.1).

ClinVar aggregate classification (germline): Uncertain significance (1 of 4 stars; one submission).

Conditions:
Hereditary cancer-predisposing syndrome. Also called: Neoplastic Syndromes, Hereditary; Tumor predisposition; Hereditary Cancer Syndrome; Hereditary neoplastic syndrome. Identifiers: Orphanet 140162, MedGen C0027672, MeSH D009386, MONDO:0015356.

Submission:

Ambry Genetics
Classification: Uncertain significance for Hereditary cancer-predisposing syndrome. Last evaluated: 2026-03-20. Review status: criteria provided, single submitter. Criteria: Ambry Variant Classification Scheme 2023. Collection method: clinical testing. Allele origin: germline.
Comment: The c.1902A>G variant (also known as p.E634E), located in coding exon 16 of the EGFR gene, results from an A to G substitution at nucleotide position 1902. This nucleotide substitution does not change the amino acid at codon 634. This nucleotide position is highly conserved in available vertebrate species. In silico splice site analysis for this alteration is inconclusive. Based on the available evidence, the clinical significance of this variant remains unclear.